The following is an entry in ClinVar:

NM_000465.4(BARD1):c.29G>C (p.Arg10Pro)

Gene: BARD1 (BRCA1 associated RING domain 1; minus strand). Cytogenetic location: 2q35.
Variant type: single nucleotide variant.
Coding change: c.29G>C on transcript NM_000465.4 (MANE Select); coding-DNA position 29, G replaced by C.
Protein change: p.Arg10Pro; replaces arginine 10 with proline.
Molecular consequence: missense variant. On other transcripts: non-coding transcript variant (3).
Genome position (GRCh38, 1-based): chr2:214,809,541, C>G on the plus strand (G>C on the coding strand, the complement: BARD1 is on the minus strand). VCF-style: chr2-214809541-C-G. GRCh37 (hg19) VCF-style: chr2-215674265-C-G.
Other names: c.29G>C, p.Arg10Pro (NM_001282543.2, NM_001282545.2, NM_001282548.2 and 1 more transcripts); c.29G>C (NM_000465.2); short protein forms R10P.
Identifiers: ClinVar variation 1171137 (VCV001171137.6), dbSNP rs2106171963, ClinGen allele CA350465389.
Genomic context (GRCh38, chr2:214,809,541, plus strand): 5'-CCATCCGGTTCCATGGCGGGCGCGGAACGAGGCTCGTTCCCGGAGCGGATCCTCGGCTGC[C>G]GGTTCCTCGGCTGCCGATTATCCGGCATCGTCCCGCCTTCGGATGAAAGGCTCCTCGCAG-3'
Protein context (NP_000456.2, residues 1-20): MPDNRQPRN[Arg10Pro]QPRIRSGNEP

ClinVar aggregate classification (germline): Uncertain significance. Review status: criteria provided, multiple submitters, no conflicts (2 of 4 stars). 3 submissions from 3 submitters: Uncertain significance (3). Last evaluated 2024-05-15.

Conditions:
Familial cancer of breast. Also called: hereditary breast carcinoma; Hereditary breast cancer; BREAST CANCER, FAMILIAL. Identifiers: Orphanet 227535, MedGen C0346153, MONDO:0016419, OMIM 114480. Disease mechanism: loss of function.
Hereditary cancer-predisposing syndrome. Also called: Tumor predisposition; Hereditary neoplastic syndrome; Hereditary Cancer Syndrome; Neoplastic Syndromes, Hereditary. Identifiers: Orphanet 140162, MedGen C0027672, MeSH D009386, MONDO:0015356.

Submissions (3):

Labcorp Genetics (formerly Invitae), Labcorp
Classification: Uncertain significance for Familial cancer of breast. Last evaluated: 2024-05-15. Review status: criteria provided, single submitter. Criteria: Invitae Variant Classification Sherloc (09022015). Collection method: clinical testing. Allele origin: germline.
Comment: This sequence change replaces arginine, which is basic and polar, with proline, which is neutral and non-polar, at codon 10 of the BARD1 protein (p.Arg10Pro). This variant is not present in population databases (gnomAD no frequency). This variant has not been reported in the literature in individuals affected with BARD1-related conditions. ClinVar contains an entry for this variant (Variation ID: 1171137). An algorithm developed to predict the effect of missense changes on protein structure and function (PolyPhen-2) suggests that this variant is likely to be disruptive. In summary, the available evidence is currently insufficient to determine the role of this variant in disease. Therefore, it has been classified as a Variant of Uncertain Significance.

Color Diagnostics, LLC DBA Color Health
Classification: Uncertain significance for Hereditary cancer-predisposing syndrome. Last evaluated: 2024-03-06. Review status: criteria provided, single submitter. Criteria: ACMG Guidelines, 2015. Collection method: clinical testing. Allele origin: germline.
Comment: This missense variant replaces arginine with proline at codon 10 of the BARD1 protein. Computational prediction suggests that this variant may not impact protein structure and function (internally defined REVEL score threshold <= 0.5, PMID: 27666373). To our knowledge, functional studies have not been reported for this variant. This variant has not been reported in individuals affected with hereditary cancer in the literature. This variant has not been identified in the general population by the Genome Aggregation Database (gnomAD). The available evidence is insufficient to determine the role of this variant in disease conclusively. Therefore, this variant is classified as a Variant of Uncertain Significance.

Ambry Genetics
Classification: Uncertain significance for Hereditary cancer-predisposing syndrome. Last evaluated: 2023-12-08. Review status: criteria provided, single submitter. Criteria: Ambry Variant Classification Scheme 2023. Collection method: clinical testing. Allele origin: germline.
Comment: The p.R10P variant (also known as c.29G>C), located in coding exon 1 of the BARD1 gene, results from a G to C substitution at nucleotide position 29. The arginine at codon 10 is replaced by proline, an amino acid with dissimilar properties. This amino acid position is conserved. In addition, the in silico prediction for this alteration is inconclusive. Since supporting evidence is limited at this time, the clinical significance of this alteration remains unclear.